The following is an entry in ClinVar:

NM_001848.3(COL6A1):c.428+5G>C

Gene: COL6A1 (collagen type VI alpha 1 chain; plus strand). Cytogenetic location: 21q22.3.
Variant type: single nucleotide variant.
Coding change: c.428+5G>C on transcript NM_001848.3 (MANE Select); 5 bases into the intron after coding-DNA position 428, G replaced by C.
Molecular consequence: intron variant.
Genome position (GRCh38, 1-based): chr21:45,984,474, G>C. VCF-style: chr21-45984474-G-C. GRCh37 (hg19) VCF-style: chr21-47404388-G-C.
Identifiers: ClinVar variation 4716780 (VCV004716780.1).

ClinVar aggregate classification (germline): Uncertain significance (1 of 4 stars; one submission).

Conditions:
Bethlem myopathy 1A. Also called: MYOPATHY, BENIGN CONGENITAL, WITH CONTRACTURES; Bethlem myopathy 1; Bethlem Muscular Dystrophy. Identifiers: Orphanet 610, MedGen CN029274, MONDO:0024530, OMIM 158810.

Submission:

Labcorp Genetics (formerly Invitae), Labcorp
Classification: Uncertain significance for Bethlem myopathy 1A. Last evaluated: 2025-04-07. Review status: criteria provided, single submitter. Criteria: Invitae Variant Classification Sherloc (09022015). Collection method: clinical testing. Allele origin: germline.
Comment: This sequence change falls in intron 3 of the COL6A1 gene. It does not directly change the encoded amino acid sequence of the COL6A1 protein. It affects a nucleotide within the consensus splice site. This variant is not present in population databases (gnomAD no frequency). This variant has not been reported in the literature in individuals affected with COL6A1-related conditions. Variants that disrupt the consensus splice site are a relatively common cause of aberrant splicing (PMID: 17576681, 9536098). Algorithms developed to predict the effect of sequence changes on RNA splicing suggest that this variant may disrupt the consensus splice site. In summary, the available evidence is currently insufficient to determine the role of this variant in disease. Therefore, it has been classified as a Variant of Uncertain Significance.

Literature cited by the submitters: PubMed 17576681; PubMed 9536098.